The following is an entry in ClinVar:

NM_000540.3(RYR1):c.10404C>G (p.Ser3468=)

Gene: RYR1 (ryanodine receptor 1; plus strand). Cytogenetic location: 19q13.2.
Variant type: single nucleotide variant.
Coding change: c.10404C>G on transcript NM_000540.3 (MANE Select); coding-DNA position 10404, C replaced by G.
Protein change: p.Ser3468=; no amino-acid change (serine 3468 retained).
Molecular consequence: synonymous variant.
Genome position (GRCh38, 1-based): chr19:38,523,273, C>G. VCF-style: chr19-38523273-C-G. GRCh37 (hg19) VCF-style: chr19-39013913-C-G.
Other names: c.10404C>G, p.Ser3468= (NM_001042723.2).
Identifiers: ClinVar variation 2893895 (VCV002893895.4), dbSNP rs1971305224, ClinGen allele CA507247643.

ClinVar aggregate classification (germline): Likely benign. Review status: criteria provided, multiple submitters, no conflicts (2 of 4 stars). 2 submissions from 2 submitters: Likely benign (2). Last evaluated 2024-01-19.

Conditions:
RYR1-related disorder. Also called: RYR1-related disorders; RYR1-related condition. Identifiers: MedGen CN239331.
Malignant hyperthermia, susceptibility to, 1 (MHS1). Also called: Anesthesia related hyperthermia; Malignant hyperpyrexia; Fulminating hyperpyrexia; Pharmacogenic myopathy; RYR1-Related Malignant Hyperthermia Susceptibility; Malignant hyperthermia suceptibility 1. Identifiers: Orphanet 423, MedGen C2930980, MONDO:0007783, OMIM 145600.

Submissions (2):

Labcorp Genetics (formerly Invitae), Labcorp
Classification: Likely benign for RYR1-related disorder. Last evaluated: 2024-01-19. Review status: criteria provided, single submitter. Criteria: Invitae Variant Classification Sherloc (09022015). Collection method: clinical testing. Allele origin: germline.

All of Us Research Program, National Institutes of Health
Classification: Likely benign for Malignant hyperthermia, susceptibility to, 1. Last evaluated: 2023-06-26. Review status: criteria provided, single submitter. Criteria: ACMG Guidelines, 2015. Collection method: clinical testing. Allele origin: germline. Inheritance: Autosomal dominant inheritance. Observed: 1 variant allele, 1 heterozygote.
Comment: This study involves interpretation of variants in research participants for the purpose of population health screening. Participant phenotype was not available at the time of variant classification. Additional details can be found in publication PMID: 35346344, PMCID: PMC8962531